The following is an entry in ClinVar:

NM_015103.3(PLXND1):c.847T>C (p.Phe283Leu)

Gene: PLXND1 (plexin D1; minus strand). Cytogenetic location: 3q22.1.
Variant type: single nucleotide variant.
Coding change: c.847T>C on transcript NM_015103.3 (MANE Select); coding-DNA position 847, T replaced by C.
Protein change: p.Phe283Leu; replaces phenylalanine 283 with leucine.
Molecular consequence: missense variant.
Genome position (GRCh38, 1-based): chr3:129,605,793, A>G on the plus strand (T>C on the coding strand, the complement: PLXND1 is on the minus strand). VCF-style: chr3-129605793-A-G. GRCh37 (hg19) VCF-style: chr3-129324636-A-G.
Other names: short protein forms F283L.
Identifiers: ClinVar variation 736752 (VCV000736752.6), dbSNP rs199609621, ClinGen allele CA2609477.

ClinVar aggregate classification (germline): Conflicting classifications of pathogenicity. Review status: criteria provided, conflicting classifications (1 of 4 stars). 3 submissions from 3 submitters: Uncertain significance (1); Benign (1). 1 of the submissions does not count toward it. Last evaluated 2025-08-08.

Conditions:
PLXND1-related disorder. Also called: PLXND1-related condition.

Allele frequency attached by ClinVar (database versions not stated): gnomAD 0.00005 and 0.00006; 1000 Genomes Project 30x 0.00016; gnomAD exomes 0.00018 and 0.00039; TOPMed 0.00019; 1000 Genomes Project 0.00020; ExAC 0.00079.
gnomAD v4.1: 111 of 1,595,830 alleles (0.007%); highest among the groups gnomAD compares: Admixed American, 0.19%; 1 homozygote.

Submissions (3):

Ambry Genetics
Classification: Uncertain significance. Last evaluated: 2025-08-08. Review status: criteria provided, single submitter. Criteria: Ambry Variant Classification Scheme 2023. Collection method: clinical testing. Allele origin: germline.

Labcorp Genetics (formerly Invitae), Labcorp
Classification: Benign. Last evaluated: 2018-05-18. Review status: criteria provided, single submitter. Criteria: Invitae Variant Classification Sherloc (09022015). Collection method: clinical testing. Allele origin: germline.

PreventionGenetics, part of Exact Sciences
Classification: Likely benign for PLXND1-related condition. Last evaluated: 2022-03-13. Review status: no assertion criteria provided. Collection method: clinical testing. Allele origin: germline. Not counted in ClinVar's aggregate classification.
Comment: This variant is classified as likely benign based on ACMG/AMP sequence variant interpretation guidelines (Richards et al. 2015 PMID: 25741868, with internal and published modifications).